The following is an entry in ClinVar:

NM_178013.4(PRIMA1):c.431A>G (p.Lys144Arg)

Gene: PRIMA1 (proline rich membrane anchor 1; minus strand). Cytogenetic location: 14q32.12.
Variant type: single nucleotide variant.
Coding change: c.431A>G on transcript NM_178013.4 (MANE Select); coding-DNA position 431, A replaced by G.
Protein change: p.Lys144Arg; replaces lysine 144 with arginine.
Molecular consequence: missense variant.
Genome position (GRCh38, 1-based): chr14:93,721,475, T>C on the plus strand (A>G on the coding strand, the complement: PRIMA1 is on the minus strand). VCF-style: chr14-93721475-T-C. GRCh37 (hg19) VCF-style: chr14-94187821-T-C.
Other names: short protein forms K144R.
Identifiers: ClinVar variation 843428 (VCV000843428.8), dbSNP rs748192131, ClinGen allele CA7322997.

ClinVar aggregate classification (germline): Uncertain significance (1 of 4 stars; one submission).

Conditions:
Familial sleep-related hypermotor epilepsy. Also called: Autosomal Dominant Sleep-Related Hypermotor (Hyperkinetic) Epilepsy. Identifiers: Orphanet 98784, MedGen C3696898, MONDO:0000030.

Allele frequency attached by ClinVar (database versions not stated): ExAC 0.00001; gnomAD exomes 0.00001 and 0.00002; TOPMed 0.00001.
gnomAD v4.1: 6 of 1,613,820 alleles (0.00037%); highest among the groups gnomAD compares: Admixed American, 0.01%; no homozygotes.

Submission:

Labcorp Genetics (formerly Invitae), Labcorp
Classification: Uncertain significance for Familial sleep-related hypermotor epilepsy. Last evaluated: 2025-03-03. Review status: criteria provided, single submitter. Criteria: Invitae Variant Classification Sherloc (09022015). Collection method: clinical testing. Allele origin: germline.
Comment: This sequence change replaces lysine, which is basic and polar, with arginine, which is basic and polar, at codon 144 of the PRIMA1 protein (p.Lys144Arg). This variant is present in population databases (rs748192131, gnomAD 0.02%). This variant has not been reported in the literature in individuals affected with PRIMA1-related conditions. ClinVar contains an entry for this variant (Variation ID: 843428). An algorithm developed to predict the effect of missense changes on protein structure and function (PolyPhen-2) suggests that this variant is likely to be disruptive. In summary, the available evidence is currently insufficient to determine the role of this variant in disease. Therefore, it has been classified as a Variant of Uncertain Significance.